The following is an entry in ClinVar:

NM_001267550.2(TTN):c.95163_95176del (p.Gln31722fs)

Genes: TTN (titin; minus strand), TTN-AS1 (TTN antisense RNA 1; plus strand). Cytogenetic location: 2q31.2.
Variant type: Deletion.
Coding change: c.95163_95176del on transcript NM_001267550.2 (MANE Select); coding-DNA positions 95163 to 95176, 14 bases deleted (ACAGGAGAAGTGCA).
Protein change: p.Gln31722fs; shifts the reading frame from glutamine 31722.
Molecular consequence: frameshift variant.
Genome position (GRCh38, 1-based): chr2:178,546,060-178,546,073, TGCACTTCTCCTGT deleted on the plus strand (ACAGGAGAAGTGCA on the coding strand, the reverse complement: TTN is on the minus strand). VCF-style (leftmost placement, unchanged base first): chr2-178546059-GTGCACTTCTCCTGT-G. GRCh37 (hg19) VCF-style: chr2-179410786-GTGCACTTCTCCTGT-G.
Other names: c.90240_90253del, p.Gln30081fs (NM_001256850.1); c.67968_67981del, p.Gln22657fs (NM_003319.4); c.87459_87472del, p.Gln29154fs (NM_133378.4); c.68343_68356del, p.Gln22782fs (NM_133432.3); c.68544_68557del, p.Gln22849fs (NM_133437.4); short protein forms Q22657fs, Q22849fs, Q30081fs, Q31722fs, Q22782fs, Q29154fs.
Identifiers: ClinVar variation 2069113 (VCV002069113.4), dbSNP rs2469033264, ClinGen allele CA2580064770.

ClinVar aggregate classification (germline): Likely pathogenic (1 of 4 stars; one submission).

Conditions:
Dilated cardiomyopathy 1G (CMD1G). Identifiers: Orphanet 154, MedGen C1858763, MONDO:0011400, OMIM 604145.
Autosomal recessive limb-girdle muscular dystrophy type 2J (LGMDR10). Also called: Limb-girdle muscular dystrophy, type 2J; MUSCULAR DYSTROPHY, LIMB-GIRDLE, AUTOSOMAL RECESSIVE 10. Identifiers: Orphanet 140922, MedGen C1837342, MONDO:0012127, OMIM 608807.

Submission:

Labcorp Genetics (formerly Invitae), Labcorp
Classification: Likely pathogenic for Dilated cardiomyopathy 1G; Autosomal recessive limb-girdle muscular dystrophy type 2J. Last evaluated: 2023-08-16. Review status: criteria provided, single submitter. Criteria: Invitae Variant Classification Sherloc (09022015). Collection method: clinical testing. Allele origin: germline.
Comment: ClinVar contains an entry for this variant (Variation ID: 2069113). This variant has not been reported in the literature in individuals affected with TTN-related conditions. This variant is not present in population databases (gnomAD no frequency). In summary, the currently available evidence indicates that the variant is pathogenic, but additional data are needed to prove that conclusively. Therefore, this variant has been classified as Likely Pathogenic. This sequence change creates a premature translational stop signal (p.Gln31722Phefs*25) in the TTN gene. While this is not anticipated to result in nonsense mediated decay, it is expected to create a truncated TTN protein. This variant is located in the A band of TTN (PMID: 25589632). Truncating variants in this region are significantly overrepresented in patients affected with dilated cardiomyopathy (PMID: 25589632). Truncating variants in this region have also been reported in individuals affected with autosomal recessive centronuclear myopathy (PMID: 23975875).

Literature cited by the submitters: PubMed 25589632; PubMed 23975875.